The following is an entry in ClinVar:

NM_001128425.2(MUTYH):c.1A>G (p.Met1Val)

Genes: MUTYH (mutY DNA glycosylase; minus strand), TOE1 (target of EGR1, exonuclease; plus strand). Cytogenetic location: 1p34.1.
Variant type: single nucleotide variant.
Coding change: c.1A>G on transcript NM_001128425.2 (MANE Plus Clinical); coding-DNA position 1, A replaced by G.
Protein change: p.Met1Val; changes the start codon (methionine 1).
Molecular consequence: missense variant, initiator codon variant. On other transcripts: 5 prime UTR variant (7), non-coding transcript variant (3).
Genome position (GRCh38, 1-based): chr1:45,340,254, T>C on the plus strand (A>G on the coding strand, the complement: MUTYH is on the minus strand). VCF-style: chr1-45340254-T-C. GRCh37 (hg19) VCF-style: chr1-45805926-T-C.
Other names: c.2T>C, p.Met1Thr (NM_025077.4); c.-42A>G (NM_001048171.2); c.1A>G, p.Met1Val (NM_001293190.2, NM_001407069.1, NM_001407073.1 and 1 more transcripts); c.-254A>G (NM_001293192.2); c.-313A>G (NM_001350650.2); c.-249A>G (NM_001350651.2); c.-58A>G (NM_001407070.1, NM_001407071.1); c.-38A>G (NM_001407072.1); short protein forms M1V, M1T.
Identifiers: ClinVar variation 859836 (VCV000859836.15), dbSNP rs1646823787, ClinGen allele CA340137930.

ClinVar aggregate classification (germline): Uncertain significance. Review status: criteria provided, multiple submitters, no conflicts (2 of 4 stars). 3 submissions from 3 submitters: Uncertain significance (3). Last evaluated 2025-06-22.

Conditions:
Hereditary cancer-predisposing syndrome. Also called: Tumor predisposition; Neoplastic Syndromes, Hereditary; Hereditary Cancer Syndrome; Hereditary neoplastic syndrome. Identifiers: Orphanet 140162, MedGen C0027672, MeSH D009386, MONDO:0015356.
Familial adenomatous polyposis 2. Also called: COLORECTAL ADENOMATOUS POLYPOSIS, AUTOSOMAL RECESSIVE; MYH-associated polyposis; FAP type 2; Adenomas, multiple colorectal; MUTYH Polyposis; ADENOMAS, MULTIPLE COLORECTAL, AUTOSOMAL RECESSIVE. Identifiers: Orphanet 220460, Orphanet 247798, MedGen C3272841, MONDO:0012041, OMIM 608456.

Submissions (3):

Labcorp Genetics (formerly Invitae), Labcorp
Classification: Uncertain significance for Familial adenomatous polyposis 2. Last evaluated: 2025-06-22. Review status: criteria provided, single submitter. Criteria: Invitae Variant Classification Sherloc (09022015). Collection method: clinical testing. Allele origin: germline.
Comment: This sequence change affects the initiator codon of the MUTYH mRNA. This change may impact translation initiation or efficiency. The next in-frame methionine is located at codon 15. This variant is not present in population databases (gnomAD no frequency). This variant has not been reported in the literature in individuals affected with MUTYH-related conditions. ClinVar contains an entry for this variant (Variation ID: 859836). In summary, the available evidence is currently insufficient to determine the role of this variant in disease. Therefore, it has been classified as a Variant of Uncertain Significance.

Ambry Genetics
Classification: Uncertain significance for Hereditary cancer-predisposing syndrome. Last evaluated: 2024-08-05. Review status: criteria provided, single submitter. Criteria: Ambry Variant Classification Scheme 2023. Collection method: clinical testing. Allele origin: germline.
Comment: The p.M1? variant (also known as c.1A>G), located in coding exon 1 of the MUTYH gene, results from an A to G substitution at nucleotide position 1. This alters the methionine residue at the initiation codon. However, there are alternative initiation (or start) codons in other biologically relevant transcripts. The MUTYH gene contains two alternate initiation sites located at codon 15 and 54 producing the beta and gamma isoforms of the protein (Parker AR, Cell. Mol. Life Sci. 2003 Oct; 60(10):2064-83). These isoforms have been shown to be expressed in a wide variety of tissue types, although at lower levels than the M1-alpha isoform, and lacking the mitochondrial localization signal located in the first 14 amino acids (Plotz G, Hum. Mutat. 2012 Jul; 33(7):1067-74). This amino acid position is well conserved in available vertebrate species. Since supporting evidence is limited at this time, the clinical significance of this variant remains unclear.

Color Diagnostics, LLC DBA Color Health
Classification: Uncertain significance for Hereditary cancer-predisposing syndrome. Last evaluated: 2023-12-06. Review status: criteria provided, single submitter. Criteria: ACMG Guidelines, 2015. Collection method: clinical testing. Allele origin: germline.
Comment: This variant results in the loss of the translation initiator methionine at codon 1 of the MUTYH gene. However, downstream methionines, including Met15, are used in naturally occurring transcripts. These transcripts lack the mitochondrial localization signal (MLS) at residues 1-14, but the clinical impact is not well understood (PMID: 20725929). To our knowledge, functional studies have not been reported for this variant. This variant has not been reported in individuals affected with MUTYH-related disorders in the literature. This variant has not been identified in the general population by the Genome Aggregation Database (gnomAD). The available evidence is insufficient to determine the role of this variant in disease conclusively. Therefore, this variant is classified as a Variant of Uncertain Significance.

Literature cited by the submitters: PubMed 20725929 (cited by Color Diagnostics, LLC DBA Color Health).